The following is an entry in ClinVar:

ClinVar aggregate classification (germline): Pathogenic (1 of 4 stars; one submission).

Conditions:
Hereditary cancer-predisposing syndrome. Also called: Neoplastic Syndromes, Hereditary; Tumor predisposition; Hereditary Cancer Syndrome; Hereditary neoplastic syndrome. Identifiers: Orphanet 140162, MedGen C0027672, MeSH D009386, MONDO:0015356.

Submission:

Ambry Genetics
Classification: Pathogenic for Hereditary cancer-predisposing syndrome. Last evaluated: 2017-07-11. Review status: criteria provided, single submitter. Criteria: Ambry Variant Classification Scheme 2023. Collection method: clinical testing. Allele origin: germline.
Comment: The EX5_6dup gross duplication spans coding exons 5 through 6 in the CHEK2 gene. Additional analysis to determine breakpoints identified that this duplication is in tandem and is predicted to result in translational frameshift with a predicted alternate stop codon (Ambry internal data). As such, this alteration is interpreted as a disease-causing mutation.

NM_007194.4(CHEK2):c.684-1582_846+1965dup

Gene: CHEK2 (checkpoint kinase 2; minus strand). Cytogenetic location: 22q12.1.
Variant type: Duplication.
Coding change: c.684-1582_846+1965dup on transcript NM_007194.4 (MANE Select); 1582 bases into the intron before coding-DNA position 684 through 1965 bases into the intron after coding-DNA position 846, 5,559 bases duplicated.
Molecular consequence: splice acceptor variant, splice donor variant.
Genome position (GRCh38, 1-based): chr22:28,708,041-28,713,599, 5,559 bases duplicated. GRCh37 (hg19): chr22:29,104,029-29,109,587.
Other names: c.21-1582_183+1965dup (NM_001437942.1, NM_001257387.3); c.483-1582_645+1965dup (NM_001349956.3); c.684-1582_846+1965dup (NM_145862.3); c.777-1582_939+1965dup (NM_001438295.1, NM_001438293.1); c.813-1582_975+1965dup (NM_001438294.1, NM_001005735.3).
Identifiers: ClinVar variation 1755738 (VCV001755738.2).